The following is an entry in ClinVar:

ClinVar aggregate classification (germline): Uncertain significance (1 of 4 stars; one submission).

Conditions:
Hereditary cancer-predisposing syndrome. Also called: Neoplastic Syndromes, Hereditary; Tumor predisposition; Hereditary Cancer Syndrome; Hereditary neoplastic syndrome. Identifiers: Orphanet 140162, MedGen C0027672, MeSH D009386, MONDO:0015356.

Submission:

Ambry Genetics
Classification: Uncertain significance for Hereditary cancer-predisposing syndrome. Last evaluated: 2026-04-26. Review status: criteria provided, single submitter. Criteria: Ambry Variant Classification Scheme 2023. Collection method: clinical testing. Allele origin: germline.
Comment: The p.K1084R variant (also known as c.3251A>G), located in coding exon 26 of the POLD1 gene, results from an A to G substitution at nucleotide position 3251. The lysine at codon 1084 is replaced by arginine, an amino acid with highly similar properties. This amino acid position is conserved. In addition, this alteration is predicted to be tolerated by in silico analysis. Based on the available evidence, the clinical significance of this variant remains unclear.

NM_002691.4(POLD1):c.3251A>G (p.Lys1084Arg)

Gene: POLD1 (DNA polymerase delta 1, catalytic subunit; plus strand). Cytogenetic location: 19q13.33.
Variant type: single nucleotide variant.
Coding change: c.3251A>G on transcript NM_002691.4 (MANE Select); coding-DNA position 3251, A replaced by G.
Protein change: p.Lys1084Arg; replaces lysine 1084 with arginine.
Molecular consequence: missense variant. On other transcripts: non-coding transcript variant (1).
Genome position (GRCh38, 1-based): chr19:50,417,874, A>G. VCF-style: chr19-50417874-A-G. GRCh37 (hg19) VCF-style: chr19-50921131-A-G.
Other names: c.3251A>G, p.Lys1084Arg (NM_001256849.1, NM_001438212.1, NM_001438213.1); c.3329A>G, p.Lys1110Arg (NM_001308632.1); c.3179A>G, p.Lys1060Arg (NM_001438210.1, NM_001438211.1); short protein forms K1060R, K1084R, K1110R.
Identifiers: ClinVar variation 4862153 (VCV004862153.1).